The following is an entry in ClinVar:

ClinVar aggregate classification (germline): Uncertain significance. Review status: criteria provided, multiple submitters, no conflicts (2 of 4 stars). 2 submissions from 2 submitters: Uncertain significance (2). Last evaluated 2024-04-29.

Conditions:
Inborn genetic diseases. Identifiers: MedGen C0950123, MeSH D030342.

Allele frequency attached by ClinVar (database versions not stated): gnomAD 0.00003; gnomAD exomes 0.00005; TOPMed 0.00005; ExAC 0.00006; ESP Exome Variant Server 0.00008.
gnomAD v4.1: 81 of 1,609,686 alleles (0.005%); highest among the groups gnomAD compares: Non-Finnish European, 0.0065%; no homozygotes.

Submissions (2):

Ambry Genetics
Classification: Uncertain significance for Inborn genetic diseases. Last evaluated: 2024-04-29. Review status: criteria provided, single submitter. Criteria: Ambry Variant Classification Scheme 2023. Collection method: clinical testing. Allele origin: germline.

Labcorp Genetics (formerly Invitae), Labcorp
Classification: Uncertain significance. Last evaluated: 2024-02-23. Review status: criteria provided, single submitter. Criteria: Invitae Variant Classification Sherloc (09022015). Collection method: clinical testing. Allele origin: germline.
Comment: This sequence change replaces leucine, which is neutral and non-polar, with serine, which is neutral and polar, at codon 1638 of the HERC1 protein (p.Leu1638Ser). This variant is present in population databases (rs376060804, gnomAD 0.01%). This variant has not been reported in the literature in individuals affected with HERC1-related conditions. ClinVar contains an entry for this variant (Variation ID: 2185403). Advanced modeling of protein sequence and biophysical properties (such as structural, functional, and spatial information, amino acid conservation, physicochemical variation, residue mobility, and thermodynamic stability) performed at Invitae indicates that this missense variant is not expected to disrupt HERC1 protein function with a negative predictive value of 80%. In summary, the available evidence is currently insufficient to determine the role of this variant in disease. Therefore, it has been classified as a Variant of Uncertain Significance.

NM_003922.4(HERC1):c.4913T>C (p.Leu1638Ser)

Gene: HERC1 (HECT and RLD domain containing E3 ubiquitin protein ligase family member 1; minus strand). Cytogenetic location: 15q22.31.
Variant type: single nucleotide variant.
Coding change: c.4913T>C on transcript NM_003922.4 (MANE Select); coding-DNA position 4913, T replaced by C.
Protein change: p.Leu1638Ser; replaces leucine 1638 with serine.
Molecular consequence: missense variant.
Genome position (GRCh38, 1-based): chr15:63,696,332, A>G on the plus strand (T>C on the coding strand, the complement: HERC1 is on the minus strand). VCF-style: chr15-63696332-A-G. GRCh37 (hg19) VCF-style: chr15-63988531-A-G.
Other names: c.4913T>C (NM_003922.3); short protein forms L1638S.
Identifiers: ClinVar variation 2185403 (VCV002185403.5), dbSNP rs376060804, ClinGen allele CA7605675.